The following is an entry in ClinVar:

NM_000531.6(OTC):c.541-63G>A

Gene: OTC (ornithine transcarbamylase; plus strand). Cytogenetic location: Xp11.4.
Variant type: single nucleotide variant.
Coding change: c.541-63G>A on transcript NM_000531.6 (MANE Select); 63 bases into the intron before coding-DNA position 541, G replaced by A.
Molecular consequence: intron variant.
Genome position (GRCh38, 1-based): chrX:38,403,555, G>A. VCF-style: chrX-38403555-G-A. GRCh37 (hg19) VCF-style: chrX-38262808-G-A.
Identifiers: ClinVar variation 676164 (VCV000676164.2), dbSNP rs2235125, ClinGen allele CA15046270.
Genomic context (GRCh38, chrX:38,403,555, plus strand): 5'-GAATTCATTCCTTCTAACAAGGCACTAATACTGAGATTAAGACTATTTATTTTAACCTTA[G>A]TAATTGCTACACATAAGCGAATTTACGCCTGGATTTCATCTCCTTCATCCCGTGCCTTTT-3'

ClinVar aggregate classification (germline): Benign. Review status: criteria provided, multiple submitters, no conflicts (2 of 4 stars). 2 submissions from 2 submitters: Benign (2). Last evaluated 2018-06-14.

Allele frequency attached by ClinVar (database versions not stated): gnomAD exomes 0.38320; gnomAD 0.46334 and 0.46790; TOPMed 0.48368; 1000 Genomes Project 30x 0.59251; 1000 Genomes Project 0.59656.
gnomAD v4.1: 446,575 of 1,139,115 alleles (39%); highest among the groups gnomAD compares: African/African-American, 70%; 64,181 homozygotes.

Submissions (2):

GeneDx
Classification: Benign. Last evaluated: 2018-06-14. Review status: criteria provided, single submitter. Criteria: GeneDx Variant Classification (06012015). Collection method: clinical testing. Allele origin: germline. Affected: yes.
Comment: This variant is considered likely benign or benign based on one or more of the following criteria: it is a conservative change, it occurs at a poorly conserved position in the protein, it is predicted to be benign by multiple in silico algorithms, and/or has population frequency not consistent with disease.

Breakthrough Genomics
Classification: Benign. Review status: criteria provided, single submitter. Criteria: ACMG Guidelines, 2015. Collection method: not provided. Allele origin: germline. Inheritance: X-linked inheritance. Affected: yes.